The following is an entry in ClinVar:

ClinVar aggregate classification (germline): Uncertain significance (1 of 4 stars; one submission).

Conditions:
Familial cold autoinflammatory syndrome 2 (FCAS2). Identifiers: Orphanet 247868, MedGen C2673198, MONDO:0012724, OMIM 611762.

Allele frequency attached by ClinVar (database versions not stated): gnomAD exomes below 0.00001; TOPMed below 0.00001.
gnomAD v4.1: 2 of 1,614,202 alleles (0.00012%); highest among the groups gnomAD compares: Non-Finnish European, 0.00017%; no homozygotes.

Submission:

Labcorp Genetics (formerly Invitae), Labcorp
Classification: Uncertain significance for Familial cold autoinflammatory syndrome 2. Last evaluated: 2022-08-30. Review status: criteria provided, single submitter. Criteria: Invitae Variant Classification Sherloc (09022015). Collection method: clinical testing. Allele origin: germline.
Comment: Algorithms developed to predict the effect of missense changes on protein structure and function are either unavailable or do not agree on the potential impact of this missense change (SIFT: "Deleterious"; PolyPhen-2: "Probably Damaging"; Align-GVGD: "Class C0"). In summary, the available evidence is currently insufficient to determine the role of this variant in disease. Therefore, it has been classified as a Variant of Uncertain Significance. This variant has not been reported in the literature in individuals affected with NLRP12-related conditions. This sequence change replaces leucine, which is neutral and non-polar, with phenylalanine, which is neutral and non-polar, at codon 948 of the NLRP12 protein (p.Leu948Phe). This variant is not present in population databases (gnomAD no frequency).

NM_144687.4(NLRP12):c.2844G>C (p.Leu948Phe)

Gene: NLRP12 (NLR family pyrin domain containing 12; minus strand). Cytogenetic location: 19q13.42.
Variant type: single nucleotide variant.
Coding change: c.2844G>C on transcript NM_144687.4 (MANE Select); coding-DNA position 2844, G replaced by C.
Protein change: p.Leu948Phe; replaces leucine 948 with phenylalanine.
Molecular consequence: missense variant. On other transcripts: intron variant (1).
Genome position (GRCh38, 1-based): chr19:53,798,326, C>G on the plus strand (G>C on the coding strand, the complement: NLRP12 is on the minus strand). VCF-style: chr19-53798326-C-G. GRCh37 (hg19) VCF-style: chr19-54301580-C-G.
Other names: c.2847G>C, p.Leu949Phe (NM_001277126.2); c.2757-2297G>C (NM_001277129.1); short protein forms L948F, L949F.
Identifiers: ClinVar variation 1935800 (VCV001935800.5), dbSNP rs1269084802, ClinGen allele CA407407880.